The following is an entry in ClinVar:

NM_000179.3(MSH6):c.169C>T (p.Pro57Ser)

Gene: MSH6 (mutS homolog 6; plus strand). Cytogenetic location: 2p16.3.
Variant type: single nucleotide variant.
Coding change: c.169C>T on transcript NM_000179.3 (MANE Select); coding-DNA position 169, C replaced by T.
Protein change: p.Pro57Ser; replaces proline 57 with serine.
Molecular consequence: missense variant. On other transcripts: 5 prime UTR variant (1).
Genome position (GRCh38, 1-based): chr2:47,783,402, C>T. VCF-style: chr2-47783402-C-T. GRCh37 (hg19) VCF-style: chr2-48010541-C-T.
Other names: c.169C>T, p.Pro57Ser (NM_001281492.2); c.-568C>T (NM_001281493.2); short protein forms P57S.
Identifiers: ClinVar variation 938631 (VCV000938631.12), dbSNP rs773367009, ClinGen allele CA346734991.

ClinVar aggregate classification (germline): Conflicting classifications of pathogenicity. Review status: criteria provided, conflicting classifications (1 of 4 stars). 5 submissions from 5 submitters: Uncertain significance (4); Likely benign (1). Last evaluated 2026-08-12.

Conditions:
Hereditary nonpolyposis colorectal neoplasms. Identifiers: MedGen C0009405, MeSH D003123.
Hereditary cancer-predisposing syndrome. Also called: Neoplastic Syndromes, Hereditary; Hereditary Cancer Syndrome; Tumor predisposition; Hereditary neoplastic syndrome. Identifiers: Orphanet 140162, MedGen C0027672, MeSH D009386, MONDO:0015356.
Lynch syndrome. Identifiers: Orphanet 144, MedGen C4552100, MONDO:0005835. Disease mechanism: loss of function.

Submissions (5):

Ambry Genetics
Classification: Likely benign for Hereditary cancer-predisposing syndrome. Last evaluated: 2026-08-12. Review status: criteria provided, single submitter. Criteria: Ambry Variant Classification Scheme 2023. Collection method: clinical testing. Allele origin: germline.

Color Diagnostics, LLC DBA Color Health
Classification: Uncertain significance for Hereditary cancer-predisposing syndrome. Last evaluated: 2024-03-06. Review status: criteria provided, single submitter. Criteria: ACMG Guidelines, 2015. Collection method: clinical testing. Allele origin: germline.
Comment: This missense variant replaces proline with serine at codon 57 of the MSH6 protein. Computational prediction suggests that this variant may not impact protein structure and function. To our knowledge, functional studies have not been reported for this variant. This variant has not been reported in individuals affected with hereditary cancer in the literature. This variant has not been identified in the general population by the Genome Aggregation Database (gnomAD). The available evidence is insufficient to determine the role of this variant in disease conclusively. Therefore, this variant is classified as a Variant of Uncertain Significance.

GeneDx
Classification: Uncertain significance. Last evaluated: 2023-07-14. Review status: criteria provided, single submitter. Criteria: GeneDx Variant Classification Process June 2021. Collection method: clinical testing. Allele origin: germline. Affected: yes.
Comment: Not observed at significant frequency in large population cohorts (gnomAD); In silico analysis supports that this missense variant does not alter protein structure/function; Has not been previously published as pathogenic or benign to our knowledge

All of Us Research Program, National Institutes of Health
Classification: Uncertain significance for Lynch syndrome. Last evaluated: 2023-06-08. Review status: criteria provided, single submitter. Criteria: ACMG Guidelines, 2015. Collection method: clinical testing. Allele origin: germline. Inheritance: Autosomal dominant inheritance. Observed: 1 variant allele, 1 heterozygote.
Comment: This missense variant replaces proline with serine at codon 57 of the MSH6 protein. Computational prediction suggests that this variant may not impact protein structure and function (internally defined REVEL score threshold <= 0.5, PMID: 27666373). To our knowledge, functional studies have not been reported for this variant. This variant has not been reported in individuals affected with hereditary cancer in the literature. This variant has not been identified in the general population by the Genome Aggregation Database (gnomAD). The available evidence is insufficient to determine the role of this variant in disease conclusively. Therefore, this variant is classified as a Variant of Uncertain Significance.

This study involves interpretation of variants in research participants for the purpose of population health screening. Participant phenotype was not available at the time of variant classification. Additional details can be found in publication PMID: 35346344, PMCID: PMC8962531

Labcorp Genetics (formerly Invitae), Labcorp
Classification: Uncertain significance for Hereditary nonpolyposis colorectal neoplasms. Last evaluated: 2022-10-30. Review status: criteria provided, single submitter. Criteria: Invitae Variant Classification Sherloc (09022015). Collection method: clinical testing. Allele origin: germline.
Comment: This sequence change replaces proline, which is neutral and non-polar, with serine, which is neutral and polar, at codon 57 of the MSH6 protein (p.Pro57Ser). This variant is not present in population databases (gnomAD no frequency). This variant has not been reported in the literature in individuals affected with MSH6-related conditions. ClinVar contains an entry for this variant (Variation ID: 938631). Advanced modeling of protein sequence and biophysical properties (such as structural, functional, and spatial information, amino acid conservation, physicochemical variation, residue mobility, and thermodynamic stability) performed at Invitae indicates that this missense variant is not expected to disrupt MSH6 protein function. In summary, the available evidence is currently insufficient to determine the role of this variant in disease. Therefore, it has been classified as a Variant of Uncertain Significance.